The following is an entry in ClinVar:

NM_006231.4(POLE):c.5596G>A (p.Ala1866Thr)

Gene: POLE (DNA polymerase epsilon, catalytic subunit; minus strand). Cytogenetic location: 12q24.33.
Variant type: single nucleotide variant.
Coding change: c.5596G>A on transcript NM_006231.4 (MANE Select); coding-DNA position 5596, G replaced by A.
Protein change: p.Ala1866Thr; replaces alanine 1866 with threonine.
Molecular consequence: missense variant.
Genome position (GRCh38, 1-based): chr12:132,638,096, C>T on the plus strand (G>A on the coding strand, the complement: POLE is on the minus strand). VCF-style: chr12-132638096-C-T. GRCh37 (hg19) VCF-style: chr12-133214682-C-T.
Other names: short protein forms A1866T.
Identifiers: ClinVar variation 240567 (VCV000240567.18), dbSNP rs377662540, ClinGen allele CA6892463.

ClinVar aggregate classification (germline): Uncertain significance. Review status: criteria provided, multiple submitters, no conflicts (2 of 4 stars). 6 submissions from 6 submitters: Uncertain significance (6). Last evaluated 2026-01-26.

Conditions:
Polymerase proofreading-related adenomatous polyposis. Also called: Polymerase proofreading associated polyposis; Polymerase proofreading–associated polyposis (PPAP). Identifiers: Orphanet 447877, MedGen C5202613, MONDO:0018653.
Familial colorectal cancer type X. Identifiers: Orphanet 440437, MedGen C3896578, MONDO:0018604.
POLE-related disorder. Also called: POLE-related disorders; POLE-related condition.
Hereditary cancer-predisposing syndrome. Also called: Neoplastic Syndromes, Hereditary; Hereditary neoplastic syndrome; Hereditary Cancer Syndrome; Tumor predisposition. Identifiers: Orphanet 140162, MedGen C0027672, MeSH D009386, MONDO:0015356.

Allele frequency attached by ClinVar (database versions not stated): ExAC 0.00002; gnomAD exomes 0.00003 and 0.00007; gnomAD 0.00007 and 0.00008; ESP Exome Variant Server 0.00008; TOPMed 0.00008.
gnomAD v4.1: 112 of 1,613,688 alleles (0.0069%); highest among the groups gnomAD compares: Non-Finnish European, 0.0092%; no homozygotes.

Submissions (6):

Labcorp Genetics (formerly Invitae), Labcorp
Classification: Uncertain significance. Last evaluated: 2026-01-26. Review status: criteria provided, single submitter. Criteria: Invitae Variant Classification Sherloc (09022015). Collection method: clinical testing. Allele origin: germline.
Comment: This sequence change replaces alanine, which is neutral and non-polar, with threonine, which is neutral and polar, at codon 1866 of the POLE protein (p.Ala1866Thr). This variant is present in population databases (rs377662540, gnomAD 0.008%). This variant has not been reported in the literature in individuals affected with POLE-related conditions. ClinVar contains an entry for this variant (Variation ID: 240567). Invitae Evidence Modeling of protein sequence and biophysical properties (such as structural, functional, and spatial information, amino acid conservation, physicochemical variation, residue mobility, and thermodynamic stability) indicates that this missense variant is expected to disrupt POLE protein function with a positive predictive value of 80%. In summary, the available evidence is currently insufficient to determine the role of this variant in disease. Therefore, it has been classified as a Variant of Uncertain Significance.

PreventionGenetics, part of Exact Sciences
Classification: Uncertain significance for POLE-related condition. Last evaluated: 2025-04-08. Review status: criteria provided, single submitter. Criteria: ACMG Guidelines, 2015. Collection method: clinical testing. Allele origin: germline.
Comment: The POLE c.5596G>A variant is predicted to result in the amino acid substitution p.Ala1866Thr. This variant has been reported in an individual with breast cancer; however a separate pathogenic variant was also identified in that individual (Table S4. Bhai et al. 2021. PubMed ID: 34326862). This variant was also reported in an individual with pancreatic adenocarcinoma (Table S2. Guenther et al. 2018. PubMed ID: 30194485). This variant is reported in 0.0077% of alleles in individuals of European (Non-Finnish) descent in gnomAD and is classified as a variant of uncertain significance in ClinVar. At this time, the clinical significance of this variant is uncertain due to the absence of conclusive functional and genetic evidence.

GeneDx
Classification: Uncertain significance. Last evaluated: 2024-11-18. Review status: criteria provided, single submitter. Criteria: GeneDx Variant Classification Process June 2021. Collection method: clinical testing. Allele origin: germline. Affected: yes.
Comment: In silico analysis supports that this missense variant has a deleterious effect on protein structure/function; This variant is associated with the following publications: (PMID: 30194485, 32546565, 34326862)

Ambry Genetics
Classification: Uncertain significance for Hereditary cancer-predisposing syndrome. Last evaluated: 2024-10-17. Review status: criteria provided, single submitter. Criteria: Ambry Variant Classification Scheme 2023. Collection method: clinical testing. Allele origin: germline.
Comment: The p.A1866T variant (also known as c.5596G>A), located in coding exon 41 of the POLE gene, results from a G to A substitution at nucleotide position 5596. The alanine at codon 1866 is replaced by threonine, an amino acid with similar properties. This amino acid position is well conserved in available vertebrate species. In addition, the in silico prediction for this alteration is inconclusive. Based on the available evidence, the clinical significance of this variant remains unclear.

Department of Pathology and Laboratory Medicine, Sinai Health System
Classification: Uncertain significance for Polymerase proofreading-related adenomatous polyposis; Familial colorectal cancer type X. Last evaluated: 2023-10-02. Review status: criteria provided, single submitter. Criteria: ACMG Guidelines, 2015. Collection method: clinical testing. Allele origin: germline. Affected: yes.

Quest Diagnostics Nichols Institute San Juan Capistrano
Classification: Uncertain significance. Last evaluated: 2019-09-12. Review status: criteria provided, single submitter. Criteria: Quest Diagnostics criteria. Collection method: clinical testing. Allele origin: unknown.

Literature cited by the submitters: PubMed 30194485 (cited by Quest Diagnostics Nichols Institute San Juan Capistrano).